The following is an entry in ClinVar:

ClinVar aggregate classification (germline): Uncertain significance (1 of 4 stars; one submission).

Conditions:
Hereditary nonpolyposis colorectal neoplasms. Identifiers: MedGen C0009405, MeSH D003123.

Submission:

Labcorp Genetics (formerly Invitae), Labcorp
Classification: Uncertain significance for Hereditary nonpolyposis colon cancer. Last evaluated: 2018-05-20. Review status: criteria provided, single submitter. Criteria: Invitae Variant Classification Sherloc (09022015). Collection method: clinical testing. Allele origin: germline.
Comment: This variant results in a copy number gain of the genomic region encompassing exons 1-2 of the MSH6 gene. The 5' end of this event is unknown as it extends beyond the assayed region for this gene and therefore may encompass additional genes. The 3' boundary is likely confined to intron 2 of the MSH6 gene. As the precise location of this event is unknown, it may be in tandem or it may be located elsewhere in the genome. A copy number gain ofÂ¬â€ exons 1-2 has not been reported in the literature in individuals with MSH6-related disease. In summary, the available evidence is currently insufficient to determine the role of this variant in disease. Therefore, it has been classified as a Variant of Uncertain Significance.

NC_000002.11:g.(?_48010363)_(48018272_?)dup

Genes: MSH6 (mutS homolog 6; plus strand), LOC129933708 (ATAC-STARR-seq lymphoblastoid silent region 11469; plus strand), LOC129933707 (ATAC-STARR-seq lymphoblastoid silent region 11468; plus strand). Cytogenetic location: 2p16.3.
Variant type: Duplication.
Identifiers: ClinVar variation 583930 (VCV000583930.1).